The following is an entry in ClinVar:

ClinVar aggregate classification (germline): Uncertain significance. Review status: criteria provided, multiple submitters, no conflicts (2 of 4 stars). 2 submissions from 2 submitters: Uncertain significance (2). Last evaluated 2025-01-06.

Conditions:
SON-related disorder. Also called: SON-related condition.

Submissions (2):

PreventionGenetics, part of Exact Sciences
Classification: Uncertain significance for SON-related condition. Last evaluated: 2025-01-06. Review status: criteria provided, single submitter. Criteria: ACMG Guidelines, 2015. Collection method: clinical testing. Allele origin: germline.
Comment: The SON c.6854A>G variant is predicted to result in the amino acid substitution p.Tyr2285Cys. To our knowledge, this variant has not been reported in the literature or in a large population database (gnomAD), indicating this variant is rare. At this time, the clinical significance of this variant is uncertain due to the absence of conclusive functional and genetic evidence.

Labcorp Genetics (formerly Invitae), Labcorp
Classification: Uncertain significance. Last evaluated: 2024-05-20. Review status: criteria provided, single submitter. Criteria: Invitae Variant Classification Sherloc (09022015). Collection method: clinical testing. Allele origin: germline.
Comment: This sequence change replaces tyrosine, which is neutral and polar, with cysteine, which is neutral and slightly polar, at codon 2285 of the SON protein (p.Tyr2285Cys). This variant is not present in population databases (gnomAD no frequency). This variant has not been reported in the literature in individuals affected with SON-related conditions. ClinVar contains an entry for this variant (Variation ID: 1392589). Experimental studies and prediction algorithms are not available or were not evaluated, and the functional significance of this variant is currently unknown. In summary, the available evidence is currently insufficient to determine the role of this variant in disease. Therefore, it has been classified as a Variant of Uncertain Significance.

NM_138927.4(SON):c.6657+298A>G

Gene: SON (SON DNA and RNA binding protein; plus strand). Cytogenetic location: 21q22.11.
Variant type: single nucleotide variant.
Coding change: c.6657+298A>G on transcript NM_138927.4 (MANE Select); 298 bases into the intron after coding-DNA position 6657, A replaced by G.
Molecular consequence: intron variant. On other transcripts: missense variant (1).
Genome position (GRCh38, 1-based): chr21:33,560,073, A>G. VCF-style: chr21-33560073-A-G. GRCh37 (hg19) VCF-style: chr21-34932379-A-G.
Other names: c.6854A>G, p.Tyr2285Cys (NM_032195.3); c.741+298A>G (NM_001291412.3); c.6854A>G (NM_032195.2); short protein forms Y2285C.
Identifiers: ClinVar variation 1392589 (VCV001392589.9), dbSNP rs2145852254, ClinGen allele CA410120262.